The following is an entry in ClinVar:

NM_000548.5(TSC2):c.628G>A (p.Ala210Thr)

Gene: TSC2 (TSC complex subunit 2; plus strand). Cytogenetic location: 16p13.3.
Variant type: single nucleotide variant.
Coding change: c.628G>A on transcript NM_000548.5 (MANE Select); coding-DNA position 628, G replaced by A.
Protein change: p.Ala210Thr; replaces alanine 210 with threonine.
Molecular consequence: missense variant.
Genome position (GRCh38, 1-based): chr16:2,056,224, G>A. VCF-style: chr16-2056224-G-A. GRCh37 (hg19) VCF-style: chr16-2106225-G-A.
Other names: p.A210T:GCG>ACG; c.628G>A, p.Ala210Thr (NM_001077183.3, NM_001114382.3, NM_001363528.2 and 3 more transcripts); c.517G>A, p.Ala173Thr (NM_001318827.2); c.481G>A, p.Ala161Thr (NM_001318829.2); c.28G>A, p.Ala10Thr (NM_001318831.2); c.661G>A, p.Ala221Thr (NM_001318832.2); c.628G>A (NM_000548.4); short protein forms A210T, A221T, A161T, A173T, A10T.
Identifiers: ClinVar variation 184164 (VCV000184164.63), dbSNP rs147196739, ClinGen allele CA022705.

ClinVar aggregate classification (germline): Benign/Likely benign. Review status: criteria provided, multiple submitters, no conflicts (2 of 4 stars). 15 submissions from 15 submitters: Benign (6); Likely benign (9). Last evaluated 2026-01-31.

Conditions:
Lymphangiomyomatosis (LAM). Also called: Lymphangioleiomyomatosis, somatic; Lymphangioleiomyomatosis. Identifiers: Orphanet 538, MedGen C0751674, MONDO:0011705, OMIM 606690.
Tuberous sclerosis 2 (TSC2). Identifiers: Orphanet 805, MedGen C1860707, MONDO:0013199, OMIM 613254.
Isolated focal cortical dysplasia type II (FCORD2). Also called: CORTICAL DYSPLASIA OF TAYLOR; Focal cortical dysplasia type II. Identifiers: Orphanet 268994, MedGen C1846385, MONDO:0011818, OMIM 607341, HP:0032051.
Hereditary cancer-predisposing syndrome. Also called: Tumor predisposition; Neoplastic Syndromes, Hereditary; Hereditary Cancer Syndrome; Hereditary neoplastic syndrome. Identifiers: Orphanet 140162, MedGen C0027672, MeSH D009386, MONDO:0015356.
Tuberous sclerosis syndrome (TSC). Also called: Tuberous Sclerosis Complex; Tuberous sclerosis. Identifiers: Orphanet 805, MedGen C0041341, MONDO:0001734.

Allele frequency attached by ClinVar (database versions not stated): gnomAD 0.00076 and 0.00070; ESP Exome Variant Server 0.00100; ExAC 0.00022; gnomAD exomes 0.00025; TOPMed 0.00069.
gnomAD v4.1: 307 of 1,613,894 alleles (0.019%); highest among the groups gnomAD compares: African/African-American, 0.27%; 1 homozygote.

Submissions (15):

Labcorp Genetics (formerly Invitae), Labcorp
Classification: Benign for Tuberous sclerosis 2. Last evaluated: 2026-01-31. Review status: criteria provided, single submitter. Criteria: Invitae Variant Classification Sherloc (09022015). Collection method: clinical testing. Allele origin: germline.

Myriad Genetics, Inc.
Classification: Likely benign for Tuberous sclerosis 2. Last evaluated: 2025-05-08. Review status: criteria provided, single submitter. Criteria: Myriad Autosomal Dominant, Autosomal Recessive and X-Linked Classification Criteria (2023). Collection method: clinical testing. Allele origin: unknown.
Comment: This variant is considered likely benign. This variant has been observed at a population frequency that is significantly greater than expected given the associated disease prevalence and penetrance.

Laboratory of Genetics, Children's Clinical University Hospital Latvia
Classification: Likely benign. Last evaluated: 2025-02-16. Review status: criteria provided, single submitter. Criteria: ACMG Guidelines, 2015. Collection method: clinical testing. Allele origin: germline. Affected: yes.

CeGaT Center for Human Genetics Tuebingen
Classification: Likely benign. Last evaluated: 2024-12-01. Review status: criteria provided, single submitter. Criteria: CeGaT Center For Human Genetics Tuebingen Variant Classification Criteria Version 2. Collection method: clinical testing. Allele origin: germline. Affected: yes. Observed: 5 variant alleles.
Comment: TSC2: BP4, BS1

Blueprint Genetics
Classification: Likely benign. Last evaluated: 2024-09-20. Review status: criteria provided, single submitter. Criteria: ACMG Guidelines, 2015. Collection method: clinical testing. Allele origin: germline.

Color Diagnostics, LLC DBA Color Health
Classification: Benign for Tuberous sclerosis syndrome. Last evaluated: 2022-09-13. Review status: criteria provided, single submitter. Criteria: ACMG Guidelines, 2015. Collection method: clinical testing. Allele origin: germline.

Quest Diagnostics Nichols Institute San Juan Capistrano
Classification: Benign. Last evaluated: 2022-08-30. Review status: criteria provided, single submitter. Criteria: Quest Diagnostics criteria. Collection method: clinical testing. Allele origin: unknown.
Comment: The frequency of this variant in the general population is higher than would generally be expected for pathogenic variants in this gene. Computational tools predict this amino acid change may be benign. This variant has been seen where an alternate explanation for disease was also identified.

Department of Pathology and Laboratory Medicine, Sinai Health System
Classification: Likely benign for Lymphangiomyomatosis; Isolated focal cortical dysplasia type II; Tuberous sclerosis 2. Last evaluated: 2022-06-07. Review status: criteria provided, single submitter. Criteria: ACMG Guidelines, 2015. Collection method: clinical testing. Allele origin: germline. Affected: yes.

Genetic Services Laboratory, University of Chicago
Classification: Likely benign. Last evaluated: 2021-11-24. Review status: criteria provided, single submitter. Criteria: ACMG Guidelines, 2015. Collection method: clinical testing. Allele origin: germline. Affected: no.

Genome-Nilou Lab
Classification: Benign for Tuberous sclerosis 2. Last evaluated: 2021-11-07. Review status: criteria provided, single submitter. Criteria: ACMG Guidelines, 2015. Collection method: clinical testing. Allele origin: germline. Affected: no.

Sema4
Classification: Benign for Hereditary cancer-predisposing syndrome. Last evaluated: 2020-11-28. Review status: criteria provided, single submitter. Criteria: Sema4 Curation Guidelines. Collection method: curation. Allele origin: germline.

Ambry Genetics
Classification: Likely benign for Hereditary cancer-predisposing syndrome. Last evaluated: 2018-11-28. Review status: criteria provided, single submitter. Criteria: Ambry Variant Classification Scheme 2023. Collection method: clinical testing. Allele origin: germline.

GeneDx
Classification: Benign. Last evaluated: 2018-11-02. Review status: criteria provided, single submitter. Criteria: GeneDx Variant Classification Process June 2021. Collection method: clinical testing. Allele origin: germline. Affected: yes.

Illumina Laboratory Services, Illumina
Classification: Likely benign for Tuberous sclerosis syndrome. Last evaluated: 2018-01-13. Review status: criteria provided, single submitter. Criteria: ICSL Variant Classification Criteria 13 December 2019. Collection method: clinical testing. Allele origin: germline.
Comment: This variant was observed in the ICSL laboratory as part of a predisposition screen in an ostensibly healthy population. It had not been previously curated by ICSL or reported in the Human Gene Mutation Database (HGMD: prior to June 1st, 2018), and was therefore a candidate for classification through an automated scoring system. Utilizing variant allele frequency, disease prevalence and penetrance estimates, and inheritance mode, an automated score was calculated to assess if this variant is too frequent to cause the disease. Based on the score and internal cut-off values, a variant classified as likely benign is not then subjected to further curation. The score for this variant resulted in a classification of likely benign for this disease.

Eurofins Ntd Llc (ga)
Classification: Likely benign. Last evaluated: 2016-08-13. Review status: criteria provided, single submitter. Criteria: EGL Classification Definitions 2015. Collection method: clinical testing. Allele origin: germline. Observed: 1 variant allele, 1 heterozygote.